The following is an entry in ClinVar:

ClinVar aggregate classification (germline): Conflicting classifications of pathogenicity. Review status: criteria provided, conflicting classifications (1 of 4 stars). 2 submissions from 2 submitters: Uncertain significance (1); Likely benign (1). Last evaluated 2023-03-23.

Conditions:
Hereditary cancer-predisposing syndrome. Also called: Hereditary neoplastic syndrome; Neoplastic Syndromes, Hereditary; Hereditary Cancer Syndrome; Tumor predisposition. Identifiers: Orphanet 140162, MedGen C0027672, MeSH D009386, MONDO:0015356.
Hereditary breast ovarian cancer syndrome. Also called: Hereditary breast and ovarian cancer; Hereditary breast and/or ovarian cancer syndrome; Hereditary breast and ovarian cancer syndrome; Hereditary breast and ovarian cancer syndrome (HBOC); Breast and ovarian cancer; BRCA1- and BRCA2-Associated Hereditary Breast and Ovarian Cancer. Identifiers: Orphanet 145, MedGen C0677776, MeSH D061325, MONDO:0003582. Disease mechanism: loss of function.

Submissions (2):

University of Washington Department of Laboratory Medicine, University of Washington
Classification: Likely benign for Hereditary cancer-predisposing syndrome. Last evaluated: 2023-03-23. Review status: criteria provided, single submitter. Criteria: Dines et al. (Genet Med. 2020). Collection method: curation. Allele origin: germline.
Comment: Missense variant in a coldspot region where missense variants are very unlikely to be pathogenic (PMID:31911673).

BRCA2 exon 10 coldspot. Reclassification based on statistical prior probability.

Labcorp Genetics (formerly Invitae), Labcorp
Classification: Uncertain significance for Hereditary breast ovarian cancer syndrome. Last evaluated: 2019-10-03. Review status: criteria provided, single submitter. Criteria: Invitae Variant Classification Sherloc (09022015). Collection method: clinical testing. Allele origin: germline.
Comment: In summary, the available evidence is currently insufficient to determine the role of this variant in disease. Therefore, it has been classified as a Variant of Uncertain Significance. Algorithms developed to predict the effect of missense changes on protein structure and function (SIFT, PolyPhen-2, Align-GVGD) all suggest that this variant is likely to be tolerated, but these predictions have not been confirmed by published functional studies and their clinical significance is uncertain. This variant has not been reported in the literature in individuals with BRCA2-related conditions. This variant is not present in population databases (ExAC no frequency). This sequence change replaces alanine with glycine at codon 535 of the BRCA2 protein (p.Ala535Gly). The alanine residue is weakly conserved and there is a small physicochemical difference between alanine and glycine.

NM_000059.4(BRCA2):c.1604C>G (p.Ala535Gly)

Gene: BRCA2 (BRCA2 DNA repair associated; plus strand). Cytogenetic location: 13q13.1.
Variant type: single nucleotide variant.
Coding change: c.1604C>G on transcript NM_000059.4 (MANE Select); coding-DNA position 1604, C replaced by G.
Protein change: p.Ala535Gly; replaces alanine 535 with glycine.
Molecular consequence: missense variant.
Genome position (GRCh38, 1-based): chr13:32,333,082, C>G. VCF-style: chr13-32333082-C-G. GRCh37 (hg19) VCF-style: chr13-32907219-C-G.
Other names: short protein forms A535G.
Identifiers: ClinVar variation 966914 (VCV000966914.11), dbSNP rs1593893344, ClinGen allele CA387764847.